The following is an entry in ClinVar:

ClinVar aggregate classification (germline): Uncertain significance (1 of 4 stars; one submission).

Submission:

GeneDx
Classification: Uncertain significance. Last evaluated: 2022-12-08. Review status: criteria provided, single submitter. Criteria: GeneDx Variant Classification Process June 2021. Collection method: clinical testing. Allele origin: germline. Affected: yes.
Comment: Not observed at significant frequency in large population cohorts (gnomAD); In silico analysis supports that this missense variant has a deleterious effect on protein structure/function; Has not been previously published as pathogenic or benign to our knowledge

NM_000346.4(SOX9):c.763G>A (p.Glu255Lys)

Gene: SOX9 (SRY-box transcription factor 9; plus strand). Cytogenetic location: 17q24.3.
Variant type: single nucleotide variant.
Coding change: c.763G>A on transcript NM_000346.4 (MANE Select); coding-DNA position 763, G replaced by A.
Protein change: p.Glu255Lys; replaces glutamic acid 255 with lysine.
Molecular consequence: missense variant.
Genome position (GRCh38, 1-based): chr17:72,123,620, G>A. VCF-style: chr17-72123620-G-A. GRCh37 (hg19) VCF-style: chr17-70119761-G-A.
Other names: short protein forms E255K.
Identifiers: ClinVar variation 2505010 (VCV002505010.1), dbSNP rs2143250861, ClinGen allele CA400866993.
Genomic context (GRCh38, chr17:72,123,620, plus strand): 5'-CCGACCCCACCCACCACCCCCAAAACCGACGTGCAGCCGGGCAAGGCTGACCTGAAGCGA[G>A]AGGGGCGCCCCTTGCCAGAGGGGGGCAGACAGCCCCCTATCGACTTCCGCGACGTGGACA-3'
Protein context (NP_000337.1, residues 245-265): VQPGKADLKR[Glu255Lys]GRPLPEGGRQ